The following is an entry in ClinVar:

NM_016222.4(DDX41):c.27+2_27+3insCTCC

Gene: DDX41 (DEAD-box helicase 41; minus strand). Cytogenetic location: 5q35.3.
Variant type: Insertion.
Coding change: c.27+2_27+3insCTCC on transcript NM_016222.4 (MANE Select); the canonical splice donor site of the intron after coding-DNA position 27 through 3 bases into the intron after coding-DNA position 27, CTCC inserted.
Molecular consequence: splice donor variant.
Genome position: GRCh38 VCF-style: chr5-177516916-T-TGGAG. GRCh37 (hg19) VCF-style: chr5-176943917-T-TGGAG.
Other names: c.-421+2_-421+3insCTCC (NM_001321830.2); c.-629+2_-629+3insCTCC (NM_001321732.2).
Identifiers: ClinVar variation 4844590 (VCV004844590.1).

ClinVar aggregate classification (germline): Uncertain significance (1 of 4 stars; one submission).

Conditions:
Inborn genetic diseases. Identifiers: MedGen C0950123, MeSH D030342.

Submission:

Ambry Genetics
Classification: Uncertain significance for Inborn genetic diseases. Last evaluated: 2026-01-20. Review status: criteria provided, single submitter. Criteria: Ambry Variant Classification Scheme 2023. Collection method: clinical testing. Allele origin: germline.
Comment: The c.27+2_27+3insCTCC intronic variant, results from an insertion of 4 nucleotides (CTCC) between nucleotide positions 27+2 and 27+3 in intron 1 of the DDX41 gene. This nucleotide region is well conserved in available vertebrate species. In silico splice site analysis predicts that this alteration will weaken the native splice donor site; however, direct evidence is insufficient at this time (Ambry internal data). Based on the available evidence, the clinical significance of this variant remains unclear.